The following is an entry in ClinVar:

NM_024312.5(GNPTAB):c.3428dup (p.Asn1143fs)

Gene: GNPTAB (N-acetylglucosamine-1-phosphate transferase subunits alpha and beta; minus strand). Cytogenetic location: 12q23.2.
Variant type: Duplication.
Coding change: c.3428dup on transcript NM_024312.5 (MANE Select); coding-DNA position 3428, one base duplicated (A; older notation c.3428dupA).
Protein change: p.Asn1143fs; shifts the reading frame from asparagine 1143.
Molecular consequence: frameshift variant.
Genome position (GRCh38, 1-based): chr12:101,757,218, T duplicated on the plus strand (A on the coding strand, the reverse complement: GNPTAB is on the minus strand); the first of 6 consecutive T bases (chr12:101,757,218-101,757,223); duplicating any one gives the same sequence. VCF-style (leftmost placement, unchanged base first): chr12-101757217-G-GT. GRCh37 (hg19) VCF-style: chr12-102150995-G-GT.
Other names: short protein forms N1143fs.
Identifiers: ClinVar variation 39072 (VCV000039072.8), dbSNP rs281865017, ClinGen allele CA343399.

ClinVar aggregate classification (germline): Pathogenic. Review status: criteria provided, single submitter (1 of 4 stars). 2 submissions from 2 submitters: Pathogenic (1). 1 of the submissions does not count toward it. Last evaluated 2021-11-10.

Conditions:
Mucolipidosis type II. Also called: Mucolipidosis 2; ML 2; Inclusion cell disease; Leroy Disease; N-acetylglucosamine 1phosphotransferase deficiency; ML disorder type 2. Identifiers: Orphanet 576, MedGen C2673377, MONDO:0009650, OMIM 252500.
Pseudo-Hurler polydystrophy. Also called: Type III Mucolipidosis; ML IIIA; Mucolipidosis III Alpha/Beta; MUCOLIPIDOSIS IIIA; ML III; ML III ALPHA/BETA. Identifiers: Orphanet 423461, Orphanet 577, MedGen C0033788, MONDO:0018931, OMIM 252600.

Submissions (2):

Labcorp Genetics (formerly Invitae), Labcorp
Classification: Pathogenic for Pseudo-Hurler polydystrophy; Mucolipidosis type II. Last evaluated: 2021-11-10. Review status: criteria provided, single submitter. Criteria: Invitae Variant Classification Sherloc (09022015). Collection method: clinical testing. Allele origin: germline.
Comment: For these reasons, this variant has been classified as Pathogenic. This sequence change creates a premature translational stop signal (p.Asn1143Lysfs*3) in the GNPTAB gene. It is expected to result in an absent or disrupted protein product. Loss-of-function variants in GNPTAB are known to be pathogenic (PMID: 19617216, 25107912). This variant is not present in population databases (gnomAD no frequency). This premature translational stop signal has been observed in individual(s) with mucolipidosis II (PMID: 19197337). This variant is also known as c.3428_3429insA. ClinVar contains an entry for this variant (Variation ID: 39072).

GeneReviews
No classification provided. Condition: Mucolipidosis type II. Review status: no classification provided. Collection method: literature only. Allele origin: unknown. Not counted in ClinVar's aggregate classification.

Literature cited by the submitters: PubMed 19617216 (cited by Labcorp Genetics (formerly Invitae), Labcorp); PubMed 25107912 (cited by Labcorp Genetics (formerly Invitae), Labcorp); PubMed 19197337 (cited by Labcorp Genetics (formerly Invitae), Labcorp and GeneReviews); PubMed 20301728 (cited by GeneReviews); NCBI Bookshelf NBK1828 (cited by GeneReviews).